The following is an entry in ClinVar:

ClinVar aggregate classification (germline): Uncertain significance. Review status: criteria provided, single submitter (1 of 4 stars). 2 submissions from 2 submitters: Uncertain significance (1). 1 of the submissions does not count toward it. Last evaluated 2023-12-21.

Conditions:
Inborn genetic diseases. Identifiers: MedGen C0950123, MeSH D030342.
ASXL2-related disorder. Also called: ASXL2-related condition.

Allele frequency attached by ClinVar (database versions not stated): ExAC 0.00001; gnomAD 0.00001; TOPMed 0.00002; gnomAD exomes 0.00007.
gnomAD v4.1: 107 of 1,613,838 alleles (0.0066%); highest among the groups gnomAD compares: Non-Finnish European, 0.009%; no homozygotes.

Submissions (2):

Ambry Genetics
Classification: Uncertain significance for Inborn genetic diseases. Last evaluated: 2023-12-21. Review status: criteria provided, single submitter. Criteria: Ambry Variant Classification Scheme 2023. Collection method: clinical testing. Allele origin: germline.

PreventionGenetics, part of Exact Sciences
Classification: Likely benign for ASXL2-related condition. Last evaluated: 2024-03-27. Review status: no assertion criteria provided. Collection method: clinical testing. Allele origin: germline. Not counted in ClinVar's aggregate classification.
Comment: This variant is classified as likely benign based on ACMG/AMP sequence variant interpretation guidelines (Richards et al. 2015 PMID: 25741868, with internal and published modifications).

NM_018263.6(ASXL2):c.3623G>T (p.Gly1208Val)

Gene: ASXL2 (ASXL transcriptional regulator 2; minus strand). Cytogenetic location: 2p23.3.
Variant type: single nucleotide variant.
Coding change: c.3623G>T on transcript NM_018263.6 (MANE Select); coding-DNA position 3623, G replaced by T.
Protein change: p.Gly1208Val; replaces glycine 1208 with valine.
Molecular consequence: missense variant.
Genome position (GRCh38, 1-based): chr2:25,742,714, C>A on the plus strand (G>T on the coding strand, the complement: ASXL2 is on the minus strand). VCF-style: chr2-25742714-C-A. GRCh37 (hg19) VCF-style: chr2-25965583-C-A.
Other names: c.3449G>T, p.Gly1150Val (NM_001369346.1); c.2843G>T, p.Gly948Val (NM_001369347.1); short protein forms G1150V, G1208V, G948V.
Identifiers: ClinVar variation 3130604 (VCV003130604.2), dbSNP rs750562932, ClinGen allele CA1557448.
Genomic context (GRCh38, chr2:25,742,714, plus strand): 5'-CTAGCTAAGCAATCACTGGTAGATAGAGTTTCCCTGCTGTGAGGTCCTGAACTTGTGTCA[C>A]CCTTGCCAGCACTCTGGGAAACCTGGGGCTCCTCTTTCACTGTGACAGATTCCTGCTCAT-3'
Protein context (NP_060733.4, residues 1198-1218): EPQVSQSAGK[Gly1208Val]DTSSGPHSRE